The following is an entry in ClinVar:

ClinVar aggregate classification (germline): Benign/Likely benign. Review status: criteria provided, multiple submitters, no conflicts (2 of 4 stars). 6 submissions from 6 submitters: Benign (3); Likely benign (3). Last evaluated 2025-01-01.

Conditions:
Inborn genetic diseases. Identifiers: MedGen C0950123, MeSH D030342.

Allele frequency attached by ClinVar (database versions not stated): TOPMed 0.00002; gnomAD 0.00005 and 0.00010; gnomAD exomes 0.00021 and 0.00036; 1000 Genomes Project 30x 0.00031; ExAC 0.00032.

Submissions (6):

CeGaT Center for Human Genetics Tuebingen
Classification: Likely benign. Last evaluated: 2025-01-01. Review status: criteria provided, single submitter. Criteria: CeGaT Center For Human Genetics Tuebingen Variant Classification Criteria Version 2. Collection method: clinical testing. Allele origin: germline. Affected: yes. Observed: 11 variant alleles.
Comment: SHANK3: BP4, BP7

Blueprint Genetics
Classification: Likely benign. Last evaluated: 2024-11-13. Review status: criteria provided, single submitter. Criteria: ACMG Guidelines, 2015. Collection method: clinical testing. Allele origin: germline.

GeneDx
Classification: Benign. Last evaluated: 2021-04-18. Review status: criteria provided, single submitter. Criteria: GeneDx Variant Classification Process June 2021. Collection method: clinical testing. Allele origin: germline. Affected: yes.

Ambry Genetics
Classification: Likely benign for Inborn genetic diseases. Last evaluated: 2018-01-16. Review status: criteria provided, single submitter. Criteria: Ambry Variant Classification Scheme 2023. Collection method: clinical testing. Allele origin: germline.

Genetic Services Laboratory, University of Chicago
Classification: Benign. Last evaluated: 2017-08-25. Review status: criteria provided, single submitter. Criteria: ACMG Guidelines, 2015. Collection method: clinical testing. Allele origin: germline. Affected: no.

Breakthrough Genomics
Classification: Benign. Review status: criteria provided, single submitter. Criteria: ACMG Guidelines, 2015. Collection method: not provided. Allele origin: germline. Inheritance: Autosomal dominant inheritance. Affected: yes.

NM_001372044.2(SHANK3):c.2184T>C (p.Gly728=)

Gene: SHANK3 (SH3 and multiple ankyrin repeat domains 3; plus strand). Cytogenetic location: 22q13.33.
Variant type: single nucleotide variant.
Coding change: c.2184T>C on transcript NM_001372044.2 (MANE Select); coding-DNA position 2184, T replaced by C.
Protein change: p.Gly728=; no amino-acid change (glycine 728 retained).
Molecular consequence: synonymous variant.
Genome position (GRCh38, 1-based): chr22:50,705,026, T>C. VCF-style: chr22-50705026-T-C. GRCh37 (hg19) VCF-style: chr22-51143454-T-C.
Other names: NM_001080420.1:c.2007T>C; c.1959T>C (NM_033517.1).
Identifiers: ClinVar variation 1224929 (VCV001224929.35), dbSNP rs747708688, ClinGen allele CA10325717.
Genomic context (GRCh38, chr22:50,705,026, plus strand): 5'-GAACGGGGTGAACGTGGTGAAGGTCGGACACAAGCAGGTGGTGGCTCTGATTCGCCAGGG[T>C]GGCAACCGCCTCGTCATGAAGGTTGTGTCTGTGACAAGGAAGCCAGAAGAGGACGGGGCT-3'
Protein context (NP_001358973.1, residues 718-738): HKQVVALIRQ[Gly728=]GNRLVMKVVS